The following is an entry in ClinVar:

ClinVar aggregate classification (germline): Uncertain significance. Review status: criteria provided, multiple submitters, no conflicts (2 of 4 stars). 4 submissions from 4 submitters: Uncertain significance (4). Last evaluated 2025-05-22.

Conditions:
FYCO1-related disorder. Also called: FYCO1-related condition.
Cataract 18 (CATC2). Also called: CATARACT 18, AUTOSOMAL RECESSIVE. Identifiers: Orphanet 91492, Orphanet 98991, Orphanet 98992, Orphanet 98995, MedGen C1864908, MONDO:0012395, OMIM 610019.

Allele frequency attached by ClinVar (database versions not stated): ExAC 0.00016; TOPMed 0.00029; gnomAD 0.00032 and 0.00035; ESP Exome Variant Server 0.00046.
gnomAD v4.1: 1,030 of 1,614,108 alleles (0.064%); highest among the groups gnomAD compares: Non-Finnish European, 0.081%; 3 homozygotes.

Submissions (4):

PreventionGenetics, part of Exact Sciences
Classification: Uncertain significance for FYCO1-related condition. Last evaluated: 2025-05-22. Review status: criteria provided, single submitter. Criteria: ACMG Guidelines, 2015. Collection method: clinical testing. Allele origin: germline.
Comment: The FYCO1 c.452T>C variant is predicted to result in the amino acid substitution p.Val151Ala. To our knowledge, this variant has not been reported in the literature. This variant is reported in 0.057% of alleles in individuals of European (Non-Finnish) descent in gnomAD. Although we suspect that this variant may be benign, at this time, the clinical significance of this variant is uncertain due to the absence of conclusive functional and genetic evidence.

Labcorp Genetics (formerly Invitae), Labcorp
Classification: Uncertain significance for Cataract 18. Last evaluated: 2022-03-09. Review status: criteria provided, single submitter. Criteria: Invitae Variant Classification Sherloc (09022015). Collection method: clinical testing. Allele origin: germline.
Comment: This sequence change replaces valine, which is neutral and non-polar, with alanine, which is neutral and non-polar, at codon 151 of the FYCO1 protein (p.Val151Ala). This variant is present in population databases (rs142081868, gnomAD 0.05%). This variant has not been reported in the literature in individuals affected with FYCO1-related conditions. ClinVar contains an entry for this variant (Variation ID: 902016). Algorithms developed to predict the effect of missense changes on protein structure and function are either unavailable or do not agree on the potential impact of this missense change (SIFT: "Deleterious"; PolyPhen-2: "Probably Damaging"; Align-GVGD: "Class C0"). In summary, the available evidence is currently insufficient to determine the role of this variant in disease. Therefore, it has been classified as a Variant of Uncertain Significance.

Illumina Laboratory Services, Illumina
Classification: Uncertain significance for Cataract 18. Last evaluated: 2018-01-13. Review status: criteria provided, single submitter. Criteria: ICSL Variant Classification Criteria 13 December 2019. Collection method: clinical testing. Allele origin: germline.

Breakthrough Genomics
Classification: Uncertain significance. Review status: criteria provided, single submitter. Criteria: ACMG Guidelines, 2015. Collection method: not provided. Allele origin: germline. Inheritance: Autosomal recessive inheritance. Affected: yes.

NM_024513.4(FYCO1):c.452T>C (p.Val151Ala)

Gene: FYCO1 (FYVE and coiled-coil domain autophagy adaptor 1; minus strand). Cytogenetic location: 3p21.31.
Variant type: single nucleotide variant.
Coding change: c.452T>C on transcript NM_024513.4 (MANE Select); coding-DNA position 452, T replaced by C.
Protein change: p.Val151Ala; replaces valine 151 with alanine.
Molecular consequence: missense variant.
Genome position (GRCh38, 1-based): chr3:45,973,175, A>G on the plus strand (T>C on the coding strand, the complement: FYCO1 is on the minus strand). VCF-style: chr3-45973175-A-G. GRCh37 (hg19) VCF-style: chr3-46014667-A-G.
Other names: short protein forms V151A.
Identifiers: ClinVar variation 902016 (VCV000902016.10), dbSNP rs142081868, ClinGen allele CA2353461.